The following is an entry in ClinVar:

ClinVar aggregate classification (germline): Benign/Likely benign. Review status: criteria provided, multiple submitters, no conflicts (2 of 4 stars). 6 submissions from 6 submitters: Benign (1); Likely benign (5). Last evaluated 2025-07-07.

Conditions:
Juvenile polyposis syndrome (JPS). Identifiers: Orphanet 2929, MedGen C0345893, MONDO:0017380, OMIM 174900.
Hereditary cancer-predisposing syndrome. Also called: Neoplastic Syndromes, Hereditary; Hereditary neoplastic syndrome; Tumor predisposition; Hereditary Cancer Syndrome. Identifiers: Orphanet 140162, MedGen C0027672, MeSH D009386, MONDO:0015356.

Submissions (6):

Labcorp Genetics (formerly Invitae), Labcorp
Classification: Likely benign for Juvenile polyposis syndrome. Last evaluated: 2025-07-07. Review status: criteria provided, single submitter. Criteria: Invitae Variant Classification Sherloc (09022015). Collection method: clinical testing. Allele origin: germline.

Myriad Genetics, Inc.
Classification: Benign for Juvenile polyposis syndrome. Last evaluated: 2024-08-07. Review status: criteria provided, single submitter. Criteria: Myriad Autosomal Dominant, Autosomal Recessive and X-Linked Classification Criteria (2023). Collection method: clinical testing. Allele origin: unknown.
Comment: This variant is considered benign. This variant is a silent/synonymous amino acid change and it is not expected to impact splicing.

Quest Diagnostics Nichols Institute San Juan Capistrano
Classification: Likely benign. Last evaluated: 2023-09-15. Review status: criteria provided, single submitter. Criteria: Quest Diagnostics criteria. Collection method: clinical testing. Allele origin: unknown.

All of Us Research Program, National Institutes of Health
Classification: Likely benign for Juvenile polyposis syndrome. Last evaluated: 2023-08-15. Review status: criteria provided, single submitter. Criteria: ACMG Guidelines, 2015. Collection method: clinical testing. Allele origin: germline. Inheritance: Autosomal dominant inheritance. Observed: 1 variant allele, 1 heterozygote.
Comment: This study involves interpretation of variants in research participants for the purpose of population health screening. Participant phenotype was not available at the time of variant classification. Additional details can be found in publication PMID: 35346344, PMCID: PMC8962531

Ambry Genetics
Classification: Likely benign for Hereditary cancer-predisposing syndrome. Last evaluated: 2019-11-20. Review status: criteria provided, single submitter. Criteria: Ambry Variant Classification Scheme 2023. Collection method: clinical testing. Allele origin: germline.

Color Diagnostics, LLC DBA Color Health
Classification: Likely benign for Hereditary cancer-predisposing syndrome. Last evaluated: 2018-07-17. Review status: criteria provided, single submitter. Criteria: ACMG Guidelines, 2015. Collection method: clinical testing. Allele origin: germline.

NM_004329.3(BMPR1A):c.1230C>G (p.Pro410=)

Gene: BMPR1A (bone morphogenetic protein receptor type 1A; plus strand). Cytogenetic location: 10q23.2.
Variant type: single nucleotide variant.
Coding change: c.1230C>G on transcript NM_004329.3 (MANE Select); coding-DNA position 1230, C replaced by G.
Protein change: p.Pro410=; no amino-acid change (proline 410 retained).
Molecular consequence: synonymous variant.
Genome position (GRCh38, 1-based): chr10:86,921,583, C>G. VCF-style: chr10-86921583-C-G. GRCh37 (hg19) VCF-style: chr10-88681340-C-G.
Identifiers: ClinVar variation 529970 (VCV000529970.21), dbSNP rs200642188, ClinGen allele CA470308308.